The following is an entry in ClinVar:

NM_020987.5(ANK3):c.2413C>T (p.Arg805Cys)

Gene: ANK3 (ankyrin 3; minus strand). Cytogenetic location: 10q21.2.
Variant type: single nucleotide variant.
Coding change: c.2413C>T on transcript NM_020987.5 (MANE Select); coding-DNA position 2413, C replaced by T.
Protein change: p.Arg805Cys; replaces arginine 805 with cysteine.
Molecular consequence: missense variant.
Genome position (GRCh38, 1-based): chr10:60,172,373, G>A on the plus strand (C>T on the coding strand, the complement: ANK3 is on the minus strand). VCF-style: chr10-60172373-G-A. GRCh37 (hg19) VCF-style: chr10-61932131-G-A.
Other names: c.2395C>T, p.Arg799Cys (NM_001204403.2); c.2362C>T, p.Arg788Cys (NM_001204404.2); c.2413C>T, p.Arg805Cys (NM_001320874.2); short protein forms R788C, R799C, R805C.
Identifiers: ClinVar variation 3778766 (VCV003778766.1).

ClinVar aggregate classification (germline): Uncertain significance (1 of 4 stars; one submission).

Conditions:
Intellectual developmental disorder, autosomal recessive 37. Also called: Intellectual disability-hypotonia-spasticity-sleep disorder syndrome. Identifiers: Orphanet 356996, MedGen C3809672, MONDO:0014210, OMIM 615493.

gnomAD v4.1: 16 of 1,613,980 alleles (0.00099%); highest among the groups gnomAD compares: East Asian, 0.011%; no homozygotes.

Submission:

Daryl Scott Lab, Baylor College of Medicine
Classification: Uncertain significance for Intellectual developmental disorder, autosomal recessive 37. Last evaluated: 2024-04-01. Review status: criteria provided, single submitter. Criteria: ACMG Guidelines, 2015. Collection method: clinical testing. Allele origin: paternal. Observed: 1 compound heterozygote.
Comment: PM2,PP3